The following is an entry in ClinVar:

ClinVar aggregate classification (germline): Conflicting classifications of pathogenicity. Review status: criteria provided, conflicting classifications (1 of 4 stars). 6 submissions from 2 submitters: Uncertain significance (1); Likely benign (5). Last evaluated 2025-05-15.

Conditions:
Hypokalemic periodic paralysis, type 2 (HOKPP2). Identifiers: Orphanet 681, MedGen C2750061, MONDO:0013234, OMIM 613345.
Congenital myasthenic syndrome 16. Identifiers: Orphanet 590, MedGen C3280112, MONDO:0013620, OMIM 614198.
Paramyotonia congenita of Von Eulenburg. Also called: Paramyotonia Congenita; PARALYSIS PERIODICA PARAMYOTONICA; Eulenburg disease; Myotonia congenita intermittens; Von Eulenburg paramyotonia congenita. Identifiers: Orphanet 684, MedGen C0221055, MONDO:0008195, OMIM 168300. Disease mechanism: loss of function.
Potassium-aggravated myotonia. Also called: Myotonia congenita, atypical, acetazolamide-responsive; MYOTONIA CONGENITA, ACETAZOLAMIDE-RESPONSIVE; MYOTONIA CONGENITA, ATYPICAL; SODIUM CHANNEL MUSCLE DISEASE. Identifiers: Orphanet 612, Orphanet 99734, Orphanet 99735, Orphanet 99736, MedGen C2931826, MONDO:0018959, OMIM 608390.
Hyperkalemic periodic paralysis. Also called: Familial hyperkalemic periodic paralysis; Gamstorp disease. Identifiers: Orphanet 682, MedGen C0238357, MONDO:0008224, OMIM 170500, HP:0007215.

Allele frequency attached by ClinVar (database versions not stated): gnomAD exomes 0.00004; ExAC 0.00007; gnomAD 0.00005 and 0.00004; TOPMed 0.00005.
gnomAD v4.1: 68 of 1,552,854 alleles (0.0044%); highest among the groups gnomAD compares: Middle Eastern, 0.017%; no homozygotes.

Submissions (6):

Labcorp Genetics (formerly Invitae), Labcorp
Classification: Likely benign for Hyperkalemic periodic paralysis. Last evaluated: 2025-05-15. Review status: criteria provided, single submitter. Criteria: Invitae Variant Classification Sherloc (09022015). Collection method: clinical testing. Allele origin: germline.

Illumina Laboratory Services, Illumina
Classification: Likely benign for Hypokalemic periodic paralysis, type 2. Last evaluated: 2018-01-12. Review status: criteria provided, single submitter. Criteria: ICSL Variant Classification Criteria 13 December 2019. Collection method: clinical testing. Allele origin: germline.
Comment: This variant was observed in the ICSL laboratory as part of a predisposition screen in an ostensibly healthy population. It had not been previously curated by ICSL or reported in the Human Gene Mutation Database (HGMD: prior to June 1st, 2018), and was therefore a candidate for classification through an automated scoring system. Utilizing variant allele frequency, disease prevalence and penetrance estimates, and inheritance mode, an automated score was calculated to assess if this variant is too frequent to cause the disease. Based on the score and internal cut-off values, a variant classified as likely benign is not then subjected to further curation. The score for this variant resulted in a classification of likely benign for this disease.

Illumina Laboratory Services, Illumina
Classification: Likely benign for Hyperkalemic periodic paralysis. Last evaluated: 2018-01-12. Review status: criteria provided, single submitter. Criteria: ICSL Variant Classification Criteria 13 December 2019. Collection method: clinical testing. Allele origin: germline.
Comment: the same text as in the submission from Illumina Laboratory Services, Illumina above.

Illumina Laboratory Services, Illumina
Classification: Uncertain significance for Congenital myasthenic syndrome 16. Last evaluated: 2018-01-12. Review status: criteria provided, single submitter. Criteria: ICSL Variant Classification Criteria 13 December 2019. Collection method: clinical testing. Allele origin: germline.

Illumina Laboratory Services, Illumina
Classification: Likely benign for Paramyotonia congenita of Von Eulenburg. Last evaluated: 2018-01-12. Review status: criteria provided, single submitter. Criteria: ICSL Variant Classification Criteria 13 December 2019. Collection method: clinical testing. Allele origin: germline.
Comment: the same text as in the submission from Illumina Laboratory Services, Illumina above.

Illumina Laboratory Services, Illumina
Classification: Likely benign for Potassium-aggravated myotonia. Last evaluated: 2018-01-12. Review status: criteria provided, single submitter. Criteria: ICSL Variant Classification Criteria 13 December 2019. Collection method: clinical testing. Allele origin: germline.
Comment: the same text as in the submission from Illumina Laboratory Services, Illumina above.

NM_000334.4(SCN4A):c.4289-4G>A

Genes: GH-LCR (growth hormone locus control region; plus strand), SCN4A (sodium voltage-gated channel alpha subunit 4; minus strand). Cytogenetic location: 17q23.3.
Variant type: single nucleotide variant.
Coding change: c.4289-4G>A on transcript NM_000334.4 (MANE Select); 4 bases into the intron before coding-DNA position 4289, G replaced by A.
Molecular consequence: intron variant.
Genome position (GRCh38, 1-based): chr17:63,941,997, C>T on the plus strand (G>A on the coding strand, the complement: SCN4A is on the minus strand). VCF-style: chr17-63941997-C-T. GRCh37 (hg19) VCF-style: chr17-62019357-C-T.
Identifiers: ClinVar variation 324518 (VCV000324518.13), dbSNP rs750364111, ClinGen allele CA8708999.